The following is an entry in ClinVar:

NM_001191058.4(PDE1C):c.127C>T (p.Arg43Cys)

Gene: PDE1C (phosphodiesterase 1C; minus strand). Cytogenetic location: 7p14.3.
Variant type: single nucleotide variant.
Coding change: c.127C>T on transcript NM_001191058.4; coding-DNA position 127, C replaced by T.
Protein change: p.Arg43Cys; replaces arginine 43 with cysteine.
Molecular consequence: missense variant.
Genome position (GRCh38, 1-based): chr7:32,209,498, G>A on the plus strand (C>T on the coding strand, the complement: PDE1C is on the minus strand). VCF-style: chr7-32209498-G-A. GRCh37 (hg19) VCF-style: chr7-32249110-G-A.
Other names: c.352C>T, p.Arg118Cys (NM_001322059.2); c.127C>T, p.Arg43Cys (NM_001322058.2); short protein forms R118C, R43C.
Identifiers: ClinVar variation 3044688 (VCV003044688.2), dbSNP rs144714011, ClinGen allele CA4211427.

ClinVar aggregate classification (germline): Likely benign (0 of 4 stars; one submission).

Conditions:
PDE1C-related disorder. Also called: PDE1C-related condition.

Allele frequency attached by ClinVar (database versions not stated): ESP Exome Variant Server 0.00070; 1000 Genomes Project 30x 0.00078; 1000 Genomes Project 0.00060; TOPMed 0.00073.
gnomAD v4.1: 215 of 1,572,120 alleles (0.014%); highest among the groups gnomAD compares: African/African-American, 0.23%; 1 homozygote.

Submission:

PreventionGenetics, part of Exact Sciences
Classification: Likely benign for PDE1C-related condition. Last evaluated: 2019-06-03. Review status: no assertion criteria provided. Collection method: clinical testing. Allele origin: germline.
Comment: This variant is classified as likely benign based on ACMG/AMP sequence variant interpretation guidelines (Richards et al. 2015 PMID: 25741868, with internal and published modifications).